The following is an entry in ClinVar:

NM_000393.5(COL5A2):c.1159-227A>C

Gene: COL5A2 (collagen type V alpha 2 chain; minus strand). Cytogenetic location: 2q32.2.
Variant type: single nucleotide variant.
Coding change: c.1159-227A>C on transcript NM_000393.5 (MANE Select); 227 bases into the intron before coding-DNA position 1159, A replaced by C.
Molecular consequence: intron variant.
Genome position (GRCh38, 1-based): chr2:189,069,111, T>G on the plus strand (A>C on the coding strand, the complement: COL5A2 is on the minus strand). VCF-style: chr2-189069111-T-G. GRCh37 (hg19) VCF-style: chr2-189933837-T-G.
Identifiers: ClinVar variation 679110 (VCV000679110.2), dbSNP rs116853584, ClinGen allele CA62557238.
Genomic context (GRCh38, chr2:189,069,111, plus strand): 5'-TTCCCACTTCCTTCTTAAGGGATGACGCTGGTGGCCTCTTCACTAGGAATATTCTCCATA[T>G]CCAATCTCCAGTTGAAGAAGCCCTACACCAGGGTTAGCTTAAGTTCCCTCTCCTCTGAAC-3'

ClinVar aggregate classification (germline): Likely benign. Review status: criteria provided, multiple submitters, no conflicts (2 of 4 stars). 2 submissions from 2 submitters: Likely benign (2). Last evaluated 2018-06-14.

Allele frequency attached by ClinVar (database versions not stated): gnomAD 0.01232 and 0.01538; TOPMed 0.01609; 1000 Genomes Project 0.04333; 1000 Genomes Project 30x 0.04388.
gnomAD v4.1: 2,322 of 152,172 alleles (1.5%); highest among the groups gnomAD compares: South Asian, 8.5%; 50 homozygotes.

Submissions (2):

GeneDx
Classification: Likely benign. Last evaluated: 2018-06-14. Review status: criteria provided, single submitter. Criteria: GeneDx Variant Classification (06012015). Collection method: clinical testing. Allele origin: germline. Affected: yes.
Comment: This variant is considered likely benign or benign based on one or more of the following criteria: it is a conservative change, it occurs at a poorly conserved position in the protein, it is predicted to be benign by multiple in silico algorithms, and/or has population frequency not consistent with disease.

Breakthrough Genomics
Classification: Likely benign. Review status: criteria provided, single submitter. Criteria: ACMG Guidelines, 2015. Collection method: not provided. Allele origin: germline. Inheritance: Autosomal dominant inheritance. Affected: yes.